The following is an entry in ClinVar:

ClinVar aggregate classification (germline): Uncertain significance (1 of 4 stars; one submission).

Conditions:
Sandhoff disease. Also called: Beta-hexosaminidase-beta-subunit deficiency; GM2 gangliosidosis, type 2; Total hexosaminidase deficiency; Sandhoff-Jatzkewitz-Pilz disease; GM2-GANGLIOSIDOSIS, TYPE II; HEXOSAMINIDASES A AND B DEFICIENCY. Identifiers: Orphanet 796, MedGen C0036161, MONDO:0010006, OMIM 268800.

Submission:

Labcorp Genetics (formerly Invitae), Labcorp
Classification: Uncertain significance for Sandhoff disease. Last evaluated: 2023-08-04. Review status: criteria provided, single submitter. Criteria: Invitae Variant Classification Sherloc (09022015). Collection method: clinical testing. Allele origin: germline.
Comment: ClinVar contains an entry for this variant (Variation ID: 1975371). This variant has not been reported in the literature in individuals affected with HEXB-related conditions. This variant is not present in population databases (gnomAD no frequency). This sequence change replaces glycine, which is neutral and non-polar, with arginine, which is basic and polar, at codon 282 of the HEXB protein (p.Gly282Arg). In summary, the available evidence is currently insufficient to determine the role of this variant in disease. Therefore, it has been classified as a Variant of Uncertain Significance. Advanced modeling of protein sequence and biophysical properties (such as structural, functional, and spatial information, amino acid conservation, physicochemical variation, residue mobility, and thermodynamic stability) performed at Invitae indicates that this missense variant is expected to disrupt HEXB protein function.

NM_000521.4(HEXB):c.844G>C (p.Gly282Arg)

Gene: HEXB (hexosaminidase subunit beta; plus strand). Cytogenetic location: 5q13.3.
Variant type: single nucleotide variant.
Coding change: c.844G>C on transcript NM_000521.4 (MANE Select); coding-DNA position 844, G replaced by C.
Protein change: p.Gly282Arg; replaces glycine 282 with arginine.
Molecular consequence: missense variant.
Genome position (GRCh38, 1-based): chr5:74,713,578, G>C. VCF-style: chr5-74713578-G-C. GRCh37 (hg19) VCF-style: chr5-74009403-G-C.
Other names: c.169G>C, p.Gly57Arg (NM_001292004.2); short protein forms G282R, G57R.
Identifiers: ClinVar variation 1975371 (VCV001975371.5), dbSNP rs2478752560, ClinGen allele CA360067109.